The following is an entry in ClinVar:

NM_000883.4(IMPDH1):c.72_73insAACCCGG (p.Gln25fs)

Genes: IMPDH1 (inosine monophosphate dehydrogenase 1; minus strand), LOC129999258 (ATAC-STARR-seq lymphoblastoid silent region 18606; plus strand). Cytogenetic location: 7q32.1.
Variant type: Insertion.
Coding change: c.72_73insAACCCGG on transcript NM_000883.4 (MANE Select); coding-DNA positions 72 to 73, AACCCGG inserted.
Protein change: p.Gln25fs; shifts the reading frame from glutamine 25.
Molecular consequence: frameshift variant.
Genome position: GRCh38 VCF-style: chr7-128409829-G-GCCGGGTT. GRCh37 (hg19) VCF-style: chr7-128049883-G-GCCGGGTT.
Other names: c.72_73insAACCCGG, p.Gln25fs (NM_001102605.2, NM_001142576.2, NM_001304521.2 and 1 more transcripts); short protein forms Q25fs.
Identifiers: ClinVar variation 2848195 (VCV002848195.3), dbSNP rs2535814033, ClinGen allele CA2571107212.

ClinVar aggregate classification (germline): Pathogenic (1 of 4 stars; one submission).

Submission:

Labcorp Genetics (formerly Invitae), Labcorp
Classification: Pathogenic. Last evaluated: 2025-07-17. Review status: criteria provided, single submitter. Criteria: Invitae Variant Classification Sherloc (09022015). Collection method: clinical testing. Allele origin: germline.
Comment: This sequence change creates a premature translational stop signal (p.Gln25Asnfs*29) in the IMPDH1 gene. It is expected to result in an absent or disrupted protein product. Loss-of-function variants in IMPDH1 are known to be pathogenic (PMID: 14981049, 33090715). This variant is not present in population databases (gnomAD no frequency). This variant has not been reported in the literature in individuals affected with IMPDH1-related conditions. ClinVar contains an entry for this variant (Variation ID: 2848195). For these reasons, this variant has been classified as Pathogenic.

Literature cited by the submitters: PubMed 14981049; PubMed 33090715.